The following is an entry in ClinVar:

ClinVar aggregate classification (germline): Pathogenic/Likely pathogenic. Review status: criteria provided, multiple submitters, no conflicts (2 of 4 stars). 3 submissions from 3 submitters: Pathogenic (2); Likely pathogenic (1). Last evaluated 2024-10-08.

Conditions:
Hereditary cancer-predisposing syndrome. Also called: Neoplastic Syndromes, Hereditary; Hereditary neoplastic syndrome; Tumor predisposition; Hereditary Cancer Syndrome. Identifiers: Orphanet 140162, MedGen C0027672, MeSH D009386, MONDO:0015356.
Cardiovascular phenotype. Identifiers: MedGen CN230736.
Neurofibromatosis, type 1 (NF1). Also called: VON RECKLINGHAUSEN DISEASE; NEUROFIBROMATOSIS, TYPE I, SOMATIC; Peripheral type neurofibromatosis; Neurofibromatosis, type I. Identifiers: Orphanet 636, MedGen C0027831, MONDO:0018975, OMIM 162200. Disease mechanism: loss of function.

Submissions (3):

Quest Diagnostics Nichols Institute San Juan Capistrano
Classification: Likely pathogenic. Last evaluated: 2024-10-08. Review status: criteria provided, single submitter. Criteria: Quest Diagnostics criteria. Collection method: clinical testing. Allele origin: unknown.
Comment: The NF1 c.1095_1096del (p.Gly367Glnfs*11) variant alters the translational reading frame of the NF1 mRNA and is predicted to cause the premature termination of NF1 protein synthesis. This variant has not been reported in individuals with NF1-related conditions in the published literature. This variant has not been reported in large, multi-ethnic general populations (Genome Aggregation Database). Based on the available information, this variant is classified as likely pathogenic.

Ambry Genetics
Classification: Pathogenic for Cardiovascular phenotype; Hereditary cancer-predisposing syndrome. Last evaluated: 2022-08-30. Review status: criteria provided, single submitter. Criteria: Ambry Variant Classification Scheme 2023. Collection method: clinical testing. Allele origin: germline.
Comment: The c.1095_1096delAA pathogenic mutation, located in coding exon 10 of the NF1 gene, results from a deletion of two nucleotides at nucleotide positions 1095 to 1096, causing a translational frameshift with a predicted alternate stop codon (p.G367Qfs*11). This variant is considered to be rare based on population cohorts in the Genome Aggregation Database (gnomAD). This alteration is expected to result in loss of function by premature protein truncation or nonsense-mediated mRNA decay. As such, this alteration is interpreted as a disease-causing mutation.

Labcorp Genetics (formerly Invitae), Labcorp
Classification: Pathogenic for Neurofibromatosis, type 1. Last evaluated: 2018-08-03. Review status: criteria provided, single submitter. Criteria: Invitae Variant Classification Sherloc (09022015). Collection method: clinical testing. Allele origin: germline.
Comment: This sequence change creates a premature translational stop signal (p.Gly367Glnfs*11) in the NF1 gene. It is expected to result in an absent or disrupted protein product. This variant is not present in population databases (ExAC no frequency). This variant has not been reported in the literature in individuals with NF1-related disease. Loss-of-function variants in NF1 are known to be pathogenic (PMID: 10712197, 23913538). For these reasons, this variant has been classified as Pathogenic.

NM_001042492.3(NF1):c.1095_1096del (p.Gly367fs)

Gene: NF1 (neurofibromin 1; plus strand). Cytogenetic location: 17q11.2.
Variant type: Deletion.
Coding change: c.1095_1096del on transcript NM_001042492.3 (MANE Select); coding-DNA positions 1095 to 1096, 2 bases deleted (AA; older notation c.1095_1096delAA).
Protein change: p.Gly367fs; shifts the reading frame from glycine 367.
Molecular consequence: frameshift variant.
Genome position (GRCh38, 1-based): chr17:31,201,069-31,201,070, AA deleted. VCF-style (leftmost placement, unchanged base first): chr17-31201068-CAA-C. GRCh37 (hg19) VCF-style: chr17-29528086-CAA-C.
Other names: c.1095_1096delAA (NM_000267.3); c.1095_1096delAA, p.Gly367Glnfs (NM_000267.4); c.1095_1096del, p.Gly367fs (NM_001128147.3); short protein forms G367fs.
Identifiers: ClinVar variation 660347 (VCV000660347.5), dbSNP rs1597681960, ClinGen allele CA915949675.
Genomic context (GRCh38, chr17:31,201,068, plus strand): 5'-GCTTTTGTTTTCTGTTGGGGTTTTTATAGAACCTGCTTTTTAATCCAAGTAAGCCATTCT[CAA>C]GAGGCAGTCAGCCTGCAGATGTGGATCTAATGATTGACTGCCTTGTTTCTTGCTTTCGTA-3'